The following is an entry in ClinVar:

NM_004984.4(KIF5A):c.121_129+5del

Gene: KIF5A (kinesin family member 5A; plus strand). Cytogenetic location: 12q13.3.
Variant type: Deletion.
Coding change: c.121_129+5del on transcript NM_004984.4 (MANE Select); coding-DNA position 121 through 5 bases into the intron after coding-DNA position 129, 14 bases deleted (GTTATTGGGGTGAG).
Molecular consequence: splice donor variant.
Genome position (GRCh38, 1-based): chr12:57,550,392-57,550,405, GTTATTGGGGTGAG deleted. VCF-style (leftmost placement, unchanged base first): chr12-57550391-CGTTATTGGGGTGAG-C. GRCh37 (hg19) VCF-style: chr12-57944174-CGTTATTGGGGTGAG-C.
Other names: c.121_129+5del (NM_001354705.2).
Identifiers: ClinVar variation 4721648 (VCV004721648.1).

ClinVar aggregate classification (germline): Likely pathogenic (1 of 4 stars; one submission).

Conditions:
Spastic paraplegia. Identifiers: MedGen C0037772, HP:0001258.

Submission:

Labcorp Genetics (formerly Invitae), Labcorp
Classification: Likely pathogenic for Spastic paraplegia. Last evaluated: 2025-06-18. Review status: criteria provided, single submitter. Criteria: Invitae Variant Classification Sherloc (09022015). Collection method: clinical testing. Allele origin: germline.
Comment: This variant results in the deletion of part of exon 1 (c.121_129+5del) of the KIF5A gene. It is expected to disrupt RNA splicing. Variants that disrupt the donor or acceptor splice site typically lead to a loss of protein function (PMID: 16199547), and loss-of-function variants in KIF5A are known to be pathogenic (PMID: 26374131). This variant is not present in population databases (gnomAD no frequency). This variant has not been reported in the literature in individuals affected with KIF5A-related conditions. In summary, the currently available evidence indicates that the variant is pathogenic, but additional data are needed to prove that conclusively. Therefore, this variant has been classified as Likely Pathogenic.

Literature cited by the submitters: PubMed 16199547; PubMed 26374131.